The following is an entry in ClinVar:

NM_000135.4(FANCA):c.1450G>T (p.Glu484Ter)

Gene: FANCA (FA complementation group A; minus strand). Cytogenetic location: 16q24.3.
Variant type: single nucleotide variant.
Coding change: c.1450G>T on transcript NM_000135.4 (MANE Select); coding-DNA position 1450, G replaced by T.
Protein change: p.Glu484Ter; replaces glutamic acid 484 with a stop codon.
Molecular consequence: nonsense.
Genome position (GRCh38, 1-based): chr16:89,784,874, C>A on the plus strand (G>T on the coding strand, the complement: FANCA is on the minus strand). VCF-style: chr16-89784874-C-A. GRCh37 (hg19) VCF-style: chr16-89851282-C-A.
Other names: c.1450G>T, p.Glu484Ter (NM_001286167.3); short protein forms E484*.
Identifiers: ClinVar variation 984160 (VCV000984160.3), dbSNP rs2039845162, ClinGen allele CA397459701.

ClinVar aggregate classification (germline): Likely pathogenic (1 of 4 stars; one submission).

Conditions:
Fanconi anemia complementation group A (FANCA). Also called: Fanconi anemia, group A; FANCA-Related Fanconi Anemia. Identifiers: Orphanet 84, MedGen C3469521, MONDO:0009215, OMIM 227650.

Submission:

Myriad Genetics, Inc.
Classification: Likely pathogenic for Fanconi anemia complementation group A. Last evaluated: 2019-04-01. Review status: criteria provided, single submitter. Criteria: Myriad Women's Health Autosomal Recessive and X-Linked Classification Criteria (2019). Collection method: clinical testing. Allele origin: unknown.
Comment: NM_000135.2(FANCA):c.1450G>T(E484*) is expected to be pathogenic in the context of Fanconi anemia complementation group A. This variant is predicted to lead to an abnormal or absent protein product due to the creation of a premature termination codon in FANCA, a gene where loss-of-function variants are known to be pathogenic. Please note: this variant was assessed in the context of healthy population screening.